The following is an entry in ClinVar:

ClinVar aggregate classification (germline): Likely pathogenic. Review status: criteria provided, multiple submitters, no conflicts (2 of 4 stars). 3 submissions from 3 submitters: Likely pathogenic (2). 1 of the submissions does not count toward it. Last evaluated 2023-09-10.

Conditions:
Deficiency of steroid 17-alpha-monooxygenase. Also called: 17-alpha-hydroxylase/17,20-lyase deficiency; 17-ALPHA-HYDROXYLASE DEFICIENCY; Congenital adrenal hyperplasia due to 17-alpha-hydroxylase deficiency; Congenital adrenal hyperplasia type 5; ADRENAL HYPERPLASIA V. Identifiers: Orphanet 90793, MedGen C0268285, MONDO:0008730, OMIM 202110.

Submissions (3):

Labcorp Genetics (formerly Invitae), Labcorp
Classification: Likely pathogenic. Last evaluated: 2023-09-10. Review status: criteria provided, single submitter. Criteria: Invitae Variant Classification Sherloc (09022015). Collection method: clinical testing. Allele origin: germline.
Comment: This variant is not present in population databases (gnomAD no frequency). This sequence change affects the initiator methionine of the CYP17A1 mRNA. The next in-frame methionine is located at codon 49. Disruption of the initiator codon has been observed in individual(s) with 17-alpha-hydroxylase deficiency (PMID: 9855540, 14715827). In at least one individual the data is consistent with being in trans (on the opposite chromosome) from a pathogenic variant. ClinVar contains an entry for this variant (Variation ID: 651482). Experimental studies and prediction algorithms are not available or were not evaluated, and the functional significance of this variant is currently unknown. In summary, the currently available evidence indicates that the variant is pathogenic, but additional data are needed to prove that conclusively. Therefore, this variant has been classified as Likely Pathogenic.

Fulgent Genetics
Classification: Likely pathogenic for Deficiency of steroid 17-alpha-monooxygenase. Last evaluated: 2022-03-28. Review status: criteria provided, single submitter. Criteria: ACMG Guidelines, 2015. Collection method: clinical testing. Allele origin: unknown.

Natera, Inc.
Classification: Likely pathogenic for Deficiency of steroid 17-alpha-monooxygenase. Last evaluated: 2021-01-26. Review status: no assertion criteria provided. Collection method: clinical testing. Allele origin: germline. Not counted in ClinVar's aggregate classification.

Literature cited by the submitters: PubMed 9855540 (cited by Labcorp Genetics (formerly Invitae), Labcorp); PubMed 14715827 (cited by Labcorp Genetics (formerly Invitae), Labcorp).

NM_000102.4(CYP17A1):c.1A>G (p.Met1Val)

Gene: CYP17A1 (cytochrome P450 family 17 subfamily A member 1; minus strand). Cytogenetic location: 10q24.32.
Variant type: single nucleotide variant.
Coding change: c.1A>G on transcript NM_000102.4 (MANE Select); coding-DNA position 1, A replaced by G.
Protein change: p.Met1Val; changes the start codon (methionine 1).
Molecular consequence: missense variant, initiator codon variant.
Genome position (GRCh38, 1-based): chr10:102,837,361, T>C on the plus strand (A>G on the coding strand, the complement: CYP17A1 is on the minus strand). VCF-style: chr10-102837361-T-C. GRCh37 (hg19) VCF-style: chr10-104597118-T-C.
Other names: short protein forms M1V.
Identifiers: ClinVar variation 651482 (VCV000651482.13), dbSNP rs1590204913, ClinGen allele CA377941185.